The following is an entry in ClinVar:

ClinVar aggregate classification (germline): Uncertain significance. Review status: criteria provided, multiple submitters, no conflicts (2 of 4 stars). 2 submissions from 2 submitters: Uncertain significance (2). Last evaluated 2024-01-24.

Conditions:
Inborn genetic diseases. Identifiers: MedGen C0950123, MeSH D030342.

Allele frequency attached by ClinVar (database versions not stated): ExAC 0.00001; gnomAD exomes 0.00001; gnomAD 0.00003; TOPMed 0.00006.
gnomAD v4.1: 14 of 1,608,422 alleles (0.00087%); highest among the groups gnomAD compares: Admixed American, 0.01%; no homozygotes.

Submissions (2):

Ambry Genetics
Classification: Uncertain significance for Inborn genetic diseases. Last evaluated: 2024-01-24. Review status: criteria provided, single submitter. Criteria: Ambry Variant Classification Scheme 2023. Collection method: clinical testing. Allele origin: germline.

Labcorp Genetics (formerly Invitae), Labcorp
Classification: Uncertain significance. Last evaluated: 2023-10-05. Review status: criteria provided, single submitter. Criteria: Invitae Variant Classification Sherloc (09022015). Collection method: clinical testing. Allele origin: germline.
Comment: This sequence change replaces asparagine, which is neutral and polar, with serine, which is neutral and polar, at codon 590 of the CSF2RB protein (p.Asn590Ser). This variant is present in population databases (rs769452286, gnomAD 0.006%). This variant has not been reported in the literature in individuals affected with CSF2RB-related conditions. ClinVar contains an entry for this variant (Variation ID: 2152551). Advanced modeling of protein sequence and biophysical properties (such as structural, functional, and spatial information, amino acid conservation, physicochemical variation, residue mobility, and thermodynamic stability) performed at Invitae indicates that this missense variant is not expected to disrupt CSF2RB protein function. In summary, the available evidence is currently insufficient to determine the role of this variant in disease. Therefore, it has been classified as a Variant of Uncertain Significance.

NM_000395.3(CSF2RB):c.1769A>G (p.Asn590Ser)

Gene: CSF2RB (colony stimulating factor 2 receptor subunit beta; plus strand). Cytogenetic location: 22q12.3.
Variant type: single nucleotide variant.
Coding change: c.1769A>G on transcript NM_000395.3 (MANE Select); coding-DNA position 1769, A replaced by G.
Protein change: p.Asn590Ser; replaces asparagine 590 with serine.
Molecular consequence: missense variant.
Genome position (GRCh38, 1-based): chr22:36,937,577, A>G. VCF-style: chr22-36937577-A-G. GRCh37 (hg19) VCF-style: chr22-37333619-A-G.
Other names: c.1769A>G (NM_000395.2); c.1787A>G, p.Asn596Ser (NM_001410827.1); short protein forms N596S, N590S.
Identifiers: ClinVar variation 2152551 (VCV002152551.5), dbSNP rs769452286, ClinGen allele CA10213974.
Genomic context (GRCh38, chr22:36,937,577, plus strand): 5'-AGCCAGGCCCGCCTGCCGCCTCCCACACACCTGAGAAACAGGCTTCCAGCTTTGACTTCA[A>G]TGGGCCCTACCTGGGGCCGCCCCACAGCCGCTCCCTACCTGACATCCTGGGCCAGCCGGA-3'
Protein context (NP_000386.1, residues 580-600): PEKQASSFDF[Asn590Ser]GPYLGPPHSR